The following is an entry in ClinVar:

NM_004655.4(AXIN2):c.2474A>T (p.Glu825Val)

Gene: AXIN2 (axin 2; minus strand). Cytogenetic location: 17q24.1.
Variant type: single nucleotide variant.
Coding change: c.2474A>T on transcript NM_004655.4 (MANE Select); coding-DNA position 2474, A replaced by T.
Protein change: p.Glu825Val; replaces glutamic acid 825 with valine.
Molecular consequence: missense variant.
Genome position (GRCh38, 1-based): chr17:65,530,034, T>A on the plus strand (A>T on the coding strand, the complement: AXIN2 is on the minus strand). VCF-style: chr17-65530034-T-A. GRCh37 (hg19) VCF-style: chr17-63526152-T-A.
Other names: c.2279A>T, p.Glu760Val (NM_001363813.1); short protein forms E760V, E825V.
Identifiers: ClinVar variation 3980925 (VCV003980925.1).

ClinVar aggregate classification (germline): Uncertain significance (1 of 4 stars; one submission).

Conditions:
Hereditary cancer-predisposing syndrome. Also called: Tumor predisposition; Hereditary neoplastic syndrome; Neoplastic Syndromes, Hereditary; Hereditary Cancer Syndrome. Identifiers: Orphanet 140162, MedGen C0027672, MeSH D009386, MONDO:0015356.

Submission:

Ambry Genetics
Classification: Uncertain significance for Hereditary cancer-predisposing syndrome. Last evaluated: 2025-04-07. Review status: criteria provided, single submitter. Criteria: Ambry Variant Classification Scheme 2023. Collection method: clinical testing. Allele origin: germline.
Comment: The p.E825V variant (also known as c.2474A>T), located in coding exon 10 of the AXIN2 gene, results from an A to T substitution at nucleotide position 2474. The glutamic acid at codon 825 is replaced by valine, an amino acid with dissimilar properties. This amino acid position is conserved. In addition, this alteration is predicted to be tolerated by in silico analysis. Based on the available evidence, the clinical significance of this variant remains unclear.